The following is an entry in ClinVar:

NM_000081.4(LYST):c.5947C>T (p.Pro1983Ser)

Gene: LYST (lysosomal trafficking regulator; minus strand). Cytogenetic location: 1q42.3.
Variant type: single nucleotide variant.
Coding change: c.5947C>T on transcript NM_000081.4 (MANE Select); coding-DNA position 5947, C replaced by T.
Protein change: p.Pro1983Ser; replaces proline 1983 with serine.
Molecular consequence: missense variant.
Genome position (GRCh38, 1-based): chr1:235,766,253, G>A on the plus strand (C>T on the coding strand, the complement: LYST is on the minus strand). VCF-style: chr1-235766253-G-A. GRCh37 (hg19) VCF-style: chr1-235929553-G-A.
Other names: p.Pro1983Ser; c.5947C>T, p.Pro1983Ser (NM_001301365.1); short protein forms P1983S.
Identifiers: ClinVar variation 4542402 (VCV004542402.1).
Genomic context (GRCh38, chr1:235,766,253, plus strand): 5'-GAGATCCAAGGACTTCTGCTATAATTTTCACAAATGATCTACAAACCTCTCGGGGCATGG[G>A]TGTGAGTTGCCCCTCTTTGTATTCCTGAAAAAATAAAAAAAACTCTCTTTAGATTTAAAG-3'
Protein context (NP_000072.2, residues 1973-1993): LQEYKEGQLT[Pro1983Ser]MPREVCRSFV

ClinVar aggregate classification (germline): Uncertain significance (1 of 4 stars; one submission).

gnomAD v4.1: 1 of 1,611,232 alleles (0.000062%); highest among the groups gnomAD compares: Non-Finnish European, 0.000085%; no homozygotes.

Submission:

Mayo Clinic Laboratories, Mayo Clinic
Classification: Uncertain significance. Last evaluated: 2025-11-14. Review status: criteria provided, single submitter. Criteria: ACMG Guidelines, 2015. Collection method: clinical testing. Allele origin: germline. Observed: 1 variant allele.
Comment: BP4_moderate